The following is an entry in ClinVar:

ClinVar aggregate classification (germline): Uncertain significance (1 of 4 stars; one submission).

Conditions:
Amyotrophic lateral sclerosis type 1 (ALS1). Also called: AMYOTROPHIC LATERAL SCLEROSIS 1, FAMILIAL. Identifiers: Orphanet 803, MedGen C1862939, MONDO:0007103, OMIM 105400.
Perry syndrome. Also called: PARKINSONISM WITH ALVEOLAR HYPOVENTILATION AND MENTAL DEPRESSION. Identifiers: Orphanet 178509, MedGen C1868594, MONDO:0008201, OMIM 168605.
Neuronopathy, distal hereditary motor, type 7B. Also called: HMN VIIB; Distal Hereditary Motor Neuronopathy Type 7B (dHMN7B); LOWER MOTOR NEURON DISEASE, DYNACTIN TYPE; NEURONOPATHY, DISTAL HEREDITARY MOTOR, AUTOSOMAL DOMINANT 14; NEURONOPATHY, DISTAL HEREDITARY MOTOR, HARDING TYPE VIIB; NEUROPATHY, DISTAL HEREDITARY MOTOR, HARDING TYPE VIIB. Identifiers: Orphanet 139589, MedGen C1843315, MONDO:0011879, OMIM 607641.

Submission:

Labcorp Genetics (formerly Invitae), Labcorp
Classification: Uncertain significance for Amyotrophic lateral sclerosis type 1; Neuronopathy, distal hereditary motor, type 7B; Perry syndrome. Last evaluated: 2021-03-26. Review status: criteria provided, single submitter. Criteria: Invitae Variant Classification Sherloc (09022015). Collection method: clinical testing. Allele origin: germline.
Comment: In summary, the available evidence is currently insufficient to determine the role of this variant in disease. Therefore, it has been classified as a Variant of Uncertain Significance. Algorithms developed to predict the effect of missense changes on protein structure and function are either unavailable or do not agree on the potential impact of this missense change (SIFT: "Deleterious"; PolyPhen-2: "Benign"; Align-GVGD: "Class C35"). This variant has not been reported in the literature in individuals with DCTN1-related conditions. This variant is not present in population databases (ExAC no frequency). This sequence change replaces asparagine with lysine at codon 449 of the DCTN1 protein (p.Asn449Lys). The asparagine residue is highly conserved and there is a moderate physicochemical difference between asparagine and lysine.

NM_004082.5(DCTN1):c.1347T>A (p.Asn449Lys)

Gene: DCTN1 (dynactin subunit 1; minus strand). Cytogenetic location: 2p13.1.
Variant type: single nucleotide variant.
Coding change: c.1347T>A on transcript NM_004082.5 (MANE Select); coding-DNA position 1347, T replaced by A.
Protein change: p.Asn449Lys; replaces asparagine 449 with lysine.
Molecular consequence: missense variant. On other transcripts: non-coding transcript variant (1).
Genome position (GRCh38, 1-based): chr2:74,370,010, A>T on the plus strand (T>A on the coding strand, the complement: DCTN1 is on the minus strand). VCF-style: chr2-74370010-A-T. GRCh37 (hg19) VCF-style: chr2-74597137-A-T.
Other names: c.1287T>A, p.Asn429Lys (NM_001135040.3); c.945T>A, p.Asn315Lys (NM_001135041.3, NM_023019.4); c.1236T>A, p.Asn412Lys (NM_001190836.2); c.1326T>A, p.Asn442Lys (NM_001190837.2); c.1296T>A, p.Asn432Lys (NM_001378991.1); c.1278T>A, p.Asn426Lys (NM_001378992.1); short protein forms N412K, N429K, N315K, N426K, N432K, N442K, N449K.
Identifiers: ClinVar variation 1478078 (VCV001478078.8), dbSNP rs2103652994, ClinGen allele CA347359853.
Genomic context (GRCh38, chr2:74,370,010, plus strand): 5'-CTGCTCTTCTCTTACCAAGTCTCCCACAGTCTCCCTCAACTCGCGCACTTTCTCTTCCAG[A>T]TTCAGGTTCCGATCTGTCAGCATCTCCACCATCTCCTCAGCACCCAGAGCAGCATCCACC-3'
Protein context (NP_004073.2, residues 439-459): MVEMLTDRNL[Asn449Lys]LEEKVRELRE